The following is an entry in ClinVar:

ClinVar aggregate classification (germline): Conflicting classifications of pathogenicity. Review status: criteria provided, conflicting classifications (1 of 4 stars). 9 submissions from 9 submitters: Likely pathogenic (7); Uncertain significance (2). Last evaluated 2026-09-01.

Conditions:
SLC22A5-related disorder. Also called: SLC22A5-related condition.
Renal carnitine transport defect (CDSP). Also called: Primary carnitine deficiency; Systemic primary carnitine deficiency; CARNITINE DEFICIENCY, SYSTEMIC, DUE TO DEFECT IN RENAL REABSORPTION OF CARNITINE; CARNITINE TRANSPORTER, PLASMA-MEMBRANE, DEFICIENCY OF; CARNITINE UPTAKE DEFECT; Systemic primary carnitine deficiency disease. Identifiers: Orphanet 158, MedGen C0342788, MONDO:0008919, OMIM 212140.
Carnitine deficiency. Identifiers: MedGen C1142132.

Allele frequency attached by ClinVar (database versions not stated): TOPMed 0.00002; gnomAD 0.00003.
gnomAD v4.1: 15 of 1,612,050 alleles (0.00093%); highest among the groups gnomAD compares: Middle Eastern, 0.016%; no homozygotes.

Submissions (9):

CeGaT Center for Human Genetics Tuebingen
Classification: Likely pathogenic. Last evaluated: 2026-09-01. Review status: criteria provided, single submitter. Criteria: CeGaT Center For Human Genetics Tuebingen Variant Classification Criteria Version 2. Collection method: clinical testing. Allele origin: germline. Affected: yes. Observed: 1 variant allele.
Comment: SLC22A5: PM2, PM3, PP4, PS3:Supporting

Labcorp Genetics (formerly Invitae), Labcorp
Classification: Likely pathogenic for Renal carnitine transport defect. Last evaluated: 2025-12-08. Review status: criteria provided, single submitter. Criteria: Invitae Variant Classification Sherloc (09022015). Collection method: clinical testing. Allele origin: germline.
Comment: This sequence change replaces alanine, which is neutral and non-polar, with valine, which is neutral and non-polar, at codon 44 of the SLC22A5 protein (p.Ala44Val). This variant is present in population databases (rs199689597, gnomAD 0.006%). This missense change has been observed in individual(s) with primary carnitine deficiency (PMID: 23963628, 28711408). ClinVar contains an entry for this variant (Variation ID: 573546). Invitae Evidence Modeling of protein sequence and biophysical properties (such as structural, functional, and spatial information, amino acid conservation, physicochemical variation, residue mobility, and thermodynamic stability) has been performed for this missense variant. However, the output from this modeling did not meet the statistical confidence thresholds required to predict the impact of this variant on SLC22A5 protein function. Experimental studies have shown that this missense change affects SLC22A5 function (PMID: 28841266). In summary, the currently available evidence indicates that the variant is pathogenic, but additional data are needed to prove that conclusively. Therefore, this variant has been classified as Likely Pathogenic.

Natera, Inc.
Classification: Likely pathogenic for Carnitine deficiency. Last evaluated: 2025-06-17. Review status: criteria provided, single submitter. Criteria: Natera Variant Classification Schema (03/2026). Collection method: clinical testing. Allele origin: germline.
Comment: The c.131C>T variant in SLC22A5 is a missense variant predicted to cause substitution of alanine to valine at amino acid 44. This variant is rare in the general population with a frequency below the threshold expected for the associated phenotype(s). This variant has been observed in one or more individuals affected with the associated recessive disease, as either homozygous or compound heterozygous with a second variant (PMID: 28711408). This variant has been identified in one or more affected individuals with a phenotype highly consistent with the associated gene (PMID: 28711408). Functional studies show that this variant may disrupt protein function (PMID: 28841266). Given the available evidence, this variant is classified as Likely Pathogenic.

Fulgent Genetics
Classification: Likely pathogenic for Renal carnitine transport defect. Last evaluated: 2024-04-10. Review status: criteria provided, single submitter. Criteria: ACMG Guidelines, 2015. Collection method: clinical testing. Allele origin: germline.

Women's Health and Genetics/Laboratory Corporation of America, LabCorp
Classification: Likely pathogenic for Renal carnitine transport defect. Last evaluated: 2023-05-09. Review status: criteria provided, single submitter. Criteria: LabCorp Variant Classification Summary - May 2015. Collection method: clinical testing. Allele origin: germline.
Comment: Variant summary: SLC22A5 c.131C>T (p.Ala44Val) results in a non-conservative amino acid change in the encoded protein sequence. Four of five in-silico tools predict a benign effect of the variant on protein function. The variant allele was found at a frequency of 2.9e-05 in 245048 control chromosomes (gnomAD). The available data on variant occurrences in the general population are insufficient to allow any conclusion about variant significance. c.131C>T has been reported in the literature in individuals affected with Systemic Primary Carnitine Deficiency (e.g., Rasmussen_2014b, Gallant_2017, Frigeni_2017). These data indicate that the variant may be associated with disease. At least one publication reports experimental evidence evaluating an impact on protein function, showing that the variant protein displayed 8.22% of transport activity relative to wild-type OCTN2 (e.g, Frigeni_2017). The following publications have been ascertained in the context of this evaluation (PMID: 28711408, 23653224, 23963628, 27896095, 34637945). Five ClinVar submitters (evaluation after 2014) have reported the variant with conflicting assessments: 2 submitters classified the variant as likely pathogenic, and 3 submitters classified it as uncertain significance. Based on the evidence outlined above, the variant was classified as likely pathogenic.

Blueprint Genetics
Classification: Likely pathogenic for SLC22A5-related disorders. Last evaluated: 2022-08-26. Review status: criteria provided, single submitter. Criteria: ACMG Guidelines, 2015. Collection method: clinical testing. Allele origin: germline. Affected: yes. Observed: 2 variant alleles.

GeneDx
Classification: Likely pathogenic. Last evaluated: 2022-04-26. Review status: criteria provided, single submitter. Criteria: GeneDx Variant Classification Process June 2021. Collection method: clinical testing. Allele origin: germline. Affected: yes.
Comment: Identified in individuals with suspected primary carnitine deficiency, however detailed clinical information was not provided (Rasmussen et al., 2014; Frigeni et al., 2017); Functional analysis found A44V is associated with significantly impaired carnitine transport (Frigeni et al., 2017); Not observed at a significant frequency in large population cohorts (gnomAD); This variant is associated with the following publications: (PMID: 23963628, 34426522, 28841266, 23653224)

Genome-Nilou Lab
Classification: Uncertain significance for Renal carnitine transport defect. Last evaluated: 2021-07-15. Review status: criteria provided, single submitter. Criteria: ACMG Guidelines, 2015. Collection method: clinical testing. Allele origin: germline. Affected: no.

Illumina Laboratory Services, Illumina
Classification: Uncertain significance for Renal carnitine transport defect. Last evaluated: 2017-09-19. Review status: criteria provided, single submitter. Criteria: ICSL Variant Classification Criteria 13 December 2019. Collection method: clinical testing. Allele origin: germline.
Comment: This variant was observed as part of a predisposition screen in an ostensibly healthy population. A literature search was performed for the gene, cDNA change, and amino acid change (where applicable). Publications were found based on this search. However, the evidence from the literature, in combination with allele frequency data from public databases where available, was not sufficient to rule this variant in or out of causing disease. Therefore, this variant is classified as a variant of unknown significance.

Literature cited by the submitters: PubMed 23963628 (cited by 3 submitters); PubMed 28711408 (cited by 3 submitters); PubMed 28841266 (cited by 3 submitters); PubMed 27896095 (cited by Women's Health and Genetics/Laboratory Corporation of America, LabCorp and Illumina Laboratory Services, Illumina); PubMed 34637945 (cited by Women's Health and Genetics/Laboratory Corporation of America, LabCorp); PubMed 23653224 (cited by Women's Health and Genetics/Laboratory Corporation of America, LabCorp and Illumina Laboratory Services, Illumina).

NM_003060.4(SLC22A5):c.131C>T (p.Ala44Val)

Gene: SLC22A5 (solute carrier family 22 member 5; plus strand). Cytogenetic location: 5q31.1.
Variant type: single nucleotide variant.
Coding change: c.131C>T on transcript NM_003060.4 (MANE Select); coding-DNA position 131, C replaced by T.
Protein change: p.Ala44Val; replaces alanine 44 with valine.
Molecular consequence: missense variant.
Genome position (GRCh38, 1-based): chr5:132,370,103, C>T. VCF-style: chr5-132370103-C-T. GRCh37 (hg19) VCF-style: chr5-131705795-C-T.
Other names: c.131C>T, p.Ala44Val (NM_001308122.2); short protein forms A44V.
Identifiers: ClinVar variation 573546 (VCV000573546.26), dbSNP rs199689597, ClinGen allele CA3403792.